The following is an entry in ClinVar:

ClinVar aggregate classification (germline): Uncertain significance (1 of 4 stars; one submission).

Submission:

Labcorp Genetics (formerly Invitae), Labcorp
Classification: Uncertain significance. Last evaluated: 2023-03-07. Review status: criteria provided, single submitter. Criteria: Invitae Variant Classification Sherloc (09022015). Collection method: clinical testing. Allele origin: germline.
Comment: This sequence change replaces valine, which is neutral and non-polar, with leucine, which is neutral and non-polar, at codon 1518 of the POLE protein (p.Val1518Leu). This variant is not present in population databases (gnomAD no frequency). This variant has not been reported in the literature in individuals affected with POLE-related conditions. An algorithm developed to predict the effect of missense changes on protein structure and function (PolyPhen-2) suggests that this variant is likely to be disruptive. Algorithms developed to predict the effect of sequence changes on RNA splicing suggest that this variant may create or strengthen a splice site. In summary, the available evidence is currently insufficient to determine the role of this variant in disease. Therefore, it has been classified as a Variant of Uncertain Significance.

NM_006231.4(POLE):c.4552G>T (p.Val1518Leu)

Gene: POLE (DNA polymerase epsilon, catalytic subunit; minus strand). Cytogenetic location: 12q24.33.
Variant type: single nucleotide variant.
Coding change: c.4552G>T on transcript NM_006231.4 (MANE Select); coding-DNA position 4552, G replaced by T.
Protein change: p.Val1518Leu; replaces valine 1518 with leucine.
Molecular consequence: missense variant.
Genome position (GRCh38, 1-based): chr12:132,642,996, C>A on the plus strand (G>T on the coding strand, the complement: POLE is on the minus strand). VCF-style: chr12-132642996-C-A. GRCh37 (hg19) VCF-style: chr12-133219582-C-A.
Other names: short protein forms V1518L.
Identifiers: ClinVar variation 3005159 (VCV003005159.3), dbSNP rs2138543597, ClinGen allele CA387379374.